The following is an entry in ClinVar:

ClinVar aggregate classification (germline): Uncertain significance (1 of 4 stars; one submission).

Conditions:
Neuronal ceroid lipofuscinosis 7 (CLN7). Also called: MFSD8-Related Neuronal Ceroid-Lipofuscinosis. Identifiers: Orphanet 168491, Orphanet 228366, MedGen C1838571, MONDO:0012588, OMIM 610951.

Submission:

Labcorp Genetics (formerly Invitae), Labcorp
Classification: Uncertain significance for Neuronal ceroid lipofuscinosis 7. Last evaluated: 2022-03-14. Review status: criteria provided, single submitter. Criteria: Invitae Variant Classification Sherloc (09022015). Collection method: clinical testing. Allele origin: germline.
Comment: This variant is not present in population databases (gnomAD no frequency). This variant has not been reported in the literature in individuals affected with MFSD8-related conditions. Algorithms developed to predict the effect of missense changes on protein structure and function are either unavailable or do not agree on the potential impact of this missense change (SIFT: "Deleterious"; PolyPhen-2: "Benign"; Align-GVGD: "Class C25"). In summary, the available evidence is currently insufficient to determine the role of this variant in disease. Therefore, it has been classified as a Variant of Uncertain Significance. This sequence change replaces isoleucine, which is neutral and non-polar, with serine, which is neutral and polar, at codon 225 of the MFSD8 protein (p.Ile225Ser).

NM_001371596.2(MFSD8):c.674T>G (p.Ile225Ser)

Gene: MFSD8 (major facilitator superfamily domain containing 8; minus strand). Cytogenetic location: 4q28.2.
Variant type: single nucleotide variant.
Coding change: c.674T>G on transcript NM_001371596.2 (MANE Select); coding-DNA position 674, T replaced by G.
Protein change: p.Ile225Ser; replaces isoleucine 225 with serine.
Molecular consequence: missense variant. On other transcripts: intron variant (5).
Genome position (GRCh38, 1-based): chr4:127,939,877, A>C on the plus strand (T>G on the coding strand, the complement: MFSD8 is on the minus strand). VCF-style: chr4-127939877-A-C. GRCh37 (hg19) VCF-style: chr4-128861032-A-C.
Other names: c.674T>G, p.Ile225Ser (NM_001371591.2, NM_152778.4); c.680T>G, p.Ile227Ser (NM_001371592.2); c.560T>G, p.Ile187Ser (NM_001371593.2, NM_001410766.1); c.304+3875T>G (NM_001410765.1); c.439+3875T>G (NM_001363521.3); c.553+2168T>G (NM_001363520.3); c.554-1041T>G (NM_001371594.2); c.539T>G, p.Ile180Ser (NM_001371590.2); and 1 more; short protein forms I187S, I180S, I225S, I227S.
Identifiers: ClinVar variation 2111673 (VCV002111673.4), dbSNP rs1560747468, ClinGen allele CA358175346.
Genomic context (GRCh38, chr4:127,939,877, plus strand): 5'-TCTACAAAAATAGTTTTATCATTTCTATCTAATTACCTTAGTATGGCAAGGATCAGAATA[A>C]TATTTAAAATTCCCAGGAAGGCGCTAAGTAAAACTGGTGTTGTATACATGTTTATCTGCA-3'
Protein context (NP_001358525.1, residues 215-235): LLSAFLGILN[Ile225Ser]ILILAILREH